The following is an entry in ClinVar:

NM_000429.3(MAT1A):c.527T>A (p.Leu176Gln)

Gene: MAT1A (methionine adenosyltransferase 1A; minus strand). Cytogenetic location: 10q22.3.
Variant type: single nucleotide variant.
Coding change: c.527T>A on transcript NM_000429.3 (MANE Select); coding-DNA position 527, T replaced by A.
Protein change: p.Leu176Gln; replaces leucine 176 with glutamine.
Molecular consequence: missense variant.
Genome position (GRCh38, 1-based): chr10:80,280,195, A>T on the plus strand (T>A on the coding strand, the complement: MAT1A is on the minus strand). VCF-style: chr10-80280195-A-T. GRCh37 (hg19) VCF-style: chr10-82039951-A-T.
Other names: short protein forms L176Q.
Identifiers: ClinVar variation 977209 (VCV000977209.3), dbSNP rs769846362, ClinGen allele CA5576774.

ClinVar aggregate classification (germline): Likely pathogenic (1 of 4 stars; one submission).

Allele frequency attached by ClinVar (database versions not stated): TOPMed below 0.00001; gnomAD exomes 0.00005 and 0.00018; gnomAD 0.00009; ExAC 0.00012.

Submission:

Greenwood Genetic Center Diagnostic Laboratories, Greenwood Genetic Center
Classification: Likely pathogenic. Last evaluated: 2020-07-27. Review status: criteria provided, single submitter. Criteria: ACMG Guidelines, 2015. Collection method: clinical testing. Allele origin: germline. Affected: yes.
Comment: PS3, PP3, PM2, PM3